The following is an entry in ClinVar:

ClinVar aggregate classification (germline): Uncertain significance (1 of 4 stars; one submission).

Conditions:
X-linked agammaglobulinemia with growth hormone deficiency (IGHD3). Also called: AGAMMAGLOBULINEMIA AND ISOLATED GROWTH HORMONE DEFICIENCY, X-LINKED; ISOLATED GROWTH HORMONE DEFICIENCY, TYPE III, WITH AGAMMAGLOBULINEMIA; FLEISHER SYNDROME; HYPOGAMMAGLOBULINEMIA AND ISOLATED GROWTH HORMONE DEFICIENCY, X-LINKED; IGHD III; Isolated growth hormone deficiency type 3. Identifiers: Orphanet 231692, Orphanet 631, MedGen C0472813, MONDO:0010615, OMIM 307200.

Submission:

Labcorp Genetics (formerly Invitae), Labcorp
Classification: Uncertain significance for X-linked agammaglobulinemia with growth hormone deficiency. Last evaluated: 2018-07-30. Review status: criteria provided, single submitter. Criteria: Invitae Variant Classification Sherloc (09022015). Collection method: clinical testing. Allele origin: germline.
Comment: This sequence change replaces serine with proline at codon 592 of the BTK protein (p.Ser592Pro). The serine residue is moderately conserved and there is a moderate physicochemical difference between serine and proline. Algorithms developed to predict the effect of missense changes on protein structure and function are either unavailable or do not agree on the potential impact of this missense change (SIFT: "Deleterious"; PolyPhen-2: "Probably Damaging"; Align-GVGD: "Class C0"). In summary, the available evidence is currently insufficient to determine the role of this variant in disease. Therefore, it has been classified as a Variant of Uncertain Significance. This variant has been observed in an individual affected with X-linked agammaglobulinemia (PMID: 8834236). This variant is not present in population databases (ExAC no frequency).

Literature cited by the submitters: PubMed 8834236.

NM_000061.3(BTK):c.1774T>C (p.Ser592Pro)

Gene: BTK (Bruton tyrosine kinase; minus strand). Cytogenetic location: Xq22.1.
Variant type: single nucleotide variant.
Coding change: c.1774T>C on transcript NM_000061.3 (MANE Select); coding-DNA position 1774, T replaced by C.
Protein change: p.Ser592Pro; replaces serine 592 with proline.
Molecular consequence: missense variant.
Genome position (GRCh38, 1-based): chrX:101,353,328, A>G on the plus strand (T>C on the coding strand, the complement: BTK is on the minus strand). VCF-style: chrX-101353328-A-G. GRCh37 (hg19) VCF-style: chrX-100608316-A-G.
Other names: c.1876T>C, p.Ser626Pro (NM_001287344.2); c.1246T>C, p.Ser416Pro (NM_001287345.2); short protein forms S416P, S592P, S626P.
Identifiers: ClinVar variation 662054 (VCV000662054.9), dbSNP rs1603001783, ClinGen allele CA413919475.